The following is an entry in ClinVar:

ClinVar aggregate classification (germline): Uncertain significance (1 of 4 stars; one submission).

Conditions:
Joubert syndrome. Also called: CEREBELLOPARENCHYMAL DISORDER IV; JOUBERT-BOLTSHAUSER SYNDROME; Familial aplasia of the vermis. Identifiers: Orphanet 475, MedGen C5979921, MONDO:0018772.
Orofaciodigital syndrome I (OFD1). Also called: OFDS I; Papillon-Leage and Psaume Syndrome; Oral-Facial-Digital Syndrome Type I. Identifiers: Orphanet 2750, MedGen C1510460, MONDO:0010702, OMIM 311200.

Submission:

Labcorp Genetics (formerly Invitae), Labcorp
Classification: Uncertain significance for Orofaciodigital syndrome I; Joubert syndrome. Last evaluated: 2023-10-14. Review status: criteria provided, single submitter. Criteria: Invitae Variant Classification Sherloc (09022015). Collection method: clinical testing. Allele origin: unknown.
Comment: A copy number gain of the genomic region encompassing the full coding sequence of the OFD1 gene has been identified. The boundaries of this event are unknown as they extend beyond the assayed region for this gene and therefore may encompass additional genes. As the precise location of this event is unknown, it may be in tandem or it may be located elsewhere in the genome. Isolated whole-gene copy number gains of OFD1 have not been reported in the literature. However, larger copy number events that include this gene have been reported (PMID: 25674159). In summary, the available evidence is currently insufficient to determine the role of this variant in disease. Therefore, it has been classified as a Variant of Uncertain Significance.

Literature cited by the submitters: PubMed 25674159.

NC_000023.10:g.(?_13732526)_(13787227_?)dup

Genes: OFD1 (OFD1 centriole and centriolar satellite protein; plus strand), TRAPPC2 (trafficking protein particle complex subunit 2; minus strand). Cytogenetic location: Xp22.2.
Variant type: Duplication.
Identifiers: ClinVar variation 3244138 (VCV003244138.1).